The following is an entry in ClinVar:

NM_000787.4(DBH):c.1688T>C (p.Met563Thr)

Genes: DBH (dopamine beta-hydroxylase; plus strand), DBH-AS1 (DBH antisense RNA 1; minus strand). Cytogenetic location: 9q34.2.
Variant type: single nucleotide variant.
Coding change: c.1688T>C on transcript NM_000787.4 (MANE Select); coding-DNA position 1688, T replaced by C.
Protein change: p.Met563Thr; replaces methionine 563 with threonine.
Molecular consequence: missense variant. On other transcripts: non-coding transcript variant (1).
Genome position (GRCh38, 1-based): chr9:133,657,195, T>C. VCF-style: chr9-133657195-T-C. GRCh37 (hg19) VCF-style: chr9-136522317-T-C.
Other names: short protein forms M563T.
Identifiers: ClinVar variation 912368 (VCV000912368.10), dbSNP rs201973877, ClinGen allele CA5313648.
Genomic context (GRCh38, chr9:133,657,195, plus strand): 5'-CCTGGAACTCCTTCAACCGCGACGTACTGAAGGCCCTGTACAGCTTCGCGCCCATCTCCA[T>C]GCACTGCAACAAGTCCTCAGCCGTCCGCTTCCAGGTGCGCTGCCATGGGCCCGGGTGGGG-3'
Protein context (NP_000778.3, residues 553-573): KALYSFAPIS[Met563Thr]HCNKSSAVRF

ClinVar aggregate classification (germline): Uncertain significance. Review status: criteria provided, multiple submitters, no conflicts (2 of 4 stars). 3 submissions from 3 submitters: Uncertain significance (3). Last evaluated 2026-01-27.

Conditions:
Orthostatic hypotension 1 (ORTHYP1). Also called: NORADRENALINE DEFICIENCY; NOREPINEPHRINE DEFICIENCY; Orthostatic hypotension 1, due to DBH deficiency; Dopamine beta-hydroxylase deficiency. Identifiers: Orphanet 230, MedGen C4746777, MONDO:0009123, OMIM 223360.
Inborn genetic diseases. Identifiers: MedGen C0950123, MeSH D030342.

Allele frequency attached by ClinVar (database versions not stated): ESP Exome Variant Server 0.00015; gnomAD 0.00019 and 0.00020; 1000 Genomes Project 0.00020; 1000 Genomes Project 30x 0.00031; TOPMed 0.00038.
gnomAD v4.1: 422 of 1,614,108 alleles (0.026%); highest among the groups gnomAD compares: Middle Eastern, 0.35%; 1 homozygote.

Submissions (3):

Labcorp Genetics (formerly Invitae), Labcorp
Classification: Uncertain significance for Orthostatic hypotension 1. Last evaluated: 2026-01-27. Review status: criteria provided, single submitter. Criteria: Invitae Variant Classification Sherloc (09022015). Collection method: clinical testing. Allele origin: germline.
Comment: This sequence change replaces methionine, which is neutral and non-polar, with threonine, which is neutral and polar, at codon 563 of the DBH protein (p.Met563Thr). This variant is present in population databases (rs201973877, gnomAD 0.06%). This variant has not been reported in the literature in individuals affected with DBH-related conditions. ClinVar contains an entry for this variant (Variation ID: 912368). Invitae Evidence Modeling of protein sequence and biophysical properties (such as structural, functional, and spatial information, amino acid conservation, physicochemical variation, residue mobility, and thermodynamic stability) indicates that this missense variant is not expected to disrupt DBH protein function with a negative predictive value of 80%. In summary, the available evidence is currently insufficient to determine the role of this variant in disease. Therefore, it has been classified as a Variant of Uncertain Significance.

Ambry Genetics
Classification: Uncertain significance for Inborn genetic diseases. Last evaluated: 2025-12-26. Review status: criteria provided, single submitter. Criteria: Ambry Variant Classification Scheme 2023. Collection method: clinical testing. Allele origin: germline.
Comment: The c.1688T>C (p.M563T) alteration is located in exon 11 (coding exon 11) of the DBH gene. This alteration results from a T to C substitution at nucleotide position 1688, causing the methionine (M) at amino acid position 563 to be replaced by a threonine (T). Based on data from gnomAD, the C allele has an overall frequency of 0.025% (71/282774) total alleles studied. The highest observed frequency was 0.097% (7/7222) of Other alleles. Based on insufficient or conflicting evidence, the clinical significance of this alteration remains unclear.

Illumina Laboratory Services, Illumina
Classification: Uncertain significance for Orthostatic hypotension 1. Last evaluated: 2017-04-27. Review status: criteria provided, single submitter. Criteria: ICSL Variant Classification Criteria 13 December 2019. Collection method: clinical testing. Allele origin: germline.